The following is an entry in ClinVar:

NM_021619.3(PRDM12):c.435G>A (p.Thr145=)

Gene: PRDM12 (PR/SET domain 12; plus strand). Cytogenetic location: 9q34.12.
Variant type: single nucleotide variant.
Coding change: c.435G>A on transcript NM_021619.3 (MANE Select); coding-DNA position 435, G replaced by A.
Protein change: p.Thr145=; no amino-acid change (threonine 145 retained).
Molecular consequence: synonymous variant.
Genome position (GRCh38, 1-based): chr9:130,668,178, G>A. VCF-style: chr9-130668178-G-A. GRCh37 (hg19) VCF-style: chr9-133543565-G-A.
Identifiers: ClinVar variation 750522 (VCV000750522.8), dbSNP rs369850639, ClinGen allele CA5284539.

ClinVar aggregate classification (germline): Likely benign. Review status: criteria provided, multiple submitters, no conflicts (2 of 4 stars). 2 submissions from 2 submitters: Likely benign (2). Last evaluated 2026-01-22.

Conditions:
Congenital insensitivity to pain-hypohidrosis syndrome. Also called: Neuropathy, hereditary sensory and autonomic, type VIII; HSAN VIII. Identifiers: Orphanet 478664, MedGen C4225308, MONDO:0014662, OMIM 616488.
PRDM12-related disorder. Also called: PRDM12-related condition.

Allele frequency attached by ClinVar (database versions not stated): gnomAD 0.00004 and 0.00005; TOPMed 0.00004; ExAC 0.00006; gnomAD exomes 0.00006; ESP Exome Variant Server 0.00008.
gnomAD v4.1: 64 of 1,614,046 alleles (0.004%); highest among the groups gnomAD compares: Admixed American, 0.0083%; no homozygotes.

Submissions (2):

PreventionGenetics, part of Exact Sciences
Classification: Likely benign for PRDM12-related condition. Last evaluated: 2026-01-22. Review status: criteria provided, single submitter. Criteria: ACMG Guidelines, 2015. Collection method: clinical testing. Allele origin: germline.
Comment: This variant is classified as likely benign based on ACMG/AMP sequence variant interpretation guidelines (Richards et al. 2015 PMID: 25741868, with internal and published modifications).

Labcorp Genetics (formerly Invitae), Labcorp
Classification: Likely benign for Congenital insensitivity to pain-hypohidrosis syndrome. Last evaluated: 2025-02-05. Review status: criteria provided, single submitter. Criteria: Invitae Variant Classification Sherloc (09022015). Collection method: clinical testing. Allele origin: germline.